The following is an entry in ClinVar:

NM_153460.4(IL17RC):c.392C>G (p.Ala131Gly)

Gene: IL17RC (interleukin 17 receptor C; plus strand). Cytogenetic location: 3p25.3.
Variant type: single nucleotide variant.
Coding change: c.392C>G on transcript NM_153460.4 (MANE Select); coding-DNA position 392, C replaced by G.
Protein change: p.Ala131Gly; replaces alanine 131 with glycine.
Molecular consequence: missense variant. On other transcripts: non-coding transcript variant (1).
Genome position (GRCh38, 1-based): chr3:9,918,536, C>G. VCF-style: chr3-9918536-C-G. GRCh37 (hg19) VCF-style: chr3-9960220-C-G.
Other names: c.392C>G, p.Ala131Gly (NM_001203263.2, NM_001203264.2, NM_001203265.2 and 4 more transcripts); c.317C>G, p.Ala106Gly (NM_001367279.1); c.605C>G, p.Ala202Gly (NM_153461.4); short protein forms A202G, A106G, A131G.
Identifiers: ClinVar variation 3700220 (VCV003700220.2).
Genomic context (GRCh38, chr3:9,918,536, plus strand): 5'-TGACCCCTGCCCTGTTGCCCACAGCCTCTCTCCAGGCCCAAGTCGTGCTCTCCTTCCAGG[C>G]CTACCCTACTGCCCGCTGCGTCCTGCTGGAGGTGCAAGTGCCTGCTGCCCTTGTGCAGTT-3'
Protein context (NP_703190.2, residues 121-141): LQAQVVLSFQ[Ala131Gly]YPTARCVLLE

ClinVar aggregate classification (germline): Uncertain significance (1 of 4 stars; one submission).

Conditions:
Candidiasis, familial, 9 (CANDF9). Identifiers: Orphanet 1334, MedGen C4225324, MONDO:0014642, OMIM 616445.

Submission:

Labcorp Genetics (formerly Invitae), Labcorp
Classification: Uncertain significance for Candidiasis, familial, 9. Last evaluated: 2025-03-27. Review status: criteria provided, single submitter. Criteria: Invitae Variant Classification Sherloc (09022015). Collection method: clinical testing. Allele origin: germline.
Comment: This sequence change replaces alanine, which is neutral and non-polar, with glycine, which is neutral and non-polar, at codon 202 of the IL17RC protein (p.Ala202Gly). This variant is not present in population databases (gnomAD no frequency). This variant has not been reported in the literature in individuals affected with IL17RC-related conditions. An algorithm developed to predict the effect of missense changes on protein structure and function (PolyPhen-2) suggests that this variant is likely to be tolerated. In summary, the available evidence is currently insufficient to determine the role of this variant in disease. Therefore, it has been classified as a Variant of Uncertain Significance.